The following is an entry in ClinVar:

ClinVar aggregate classification (germline): Uncertain significance (1 of 4 stars; one submission).

Submission:

Labcorp Genetics (formerly Invitae), Labcorp
Classification: Uncertain significance. Last evaluated: 2023-07-14. Review status: criteria provided, single submitter. Criteria: Invitae Variant Classification Sherloc (09022015). Collection method: clinical testing. Allele origin: germline.
Comment: This variant is not present in population databases (gnomAD no frequency). This variant has not been reported in the literature in individuals affected with ZNF408-related conditions. ClinVar contains an entry for this variant (Variation ID: 1714565). An algorithm developed to predict the effect of missense changes on protein structure and function (PolyPhen-2) suggests that this variant is likely to be disruptive. In summary, the available evidence is currently insufficient to determine the role of this variant in disease. Therefore, it has been classified as a Variant of Uncertain Significance. This sequence change replaces valine, which is neutral and non-polar, with isoleucine, which is neutral and non-polar, at codon 78 of the ZNF408 protein (p.Val78Ile).

NM_024741.3(ZNF408):c.232G>A (p.Val78Ile)

Gene: ZNF408 (zinc finger protein 408; plus strand). Cytogenetic location: 11p11.2.
Variant type: single nucleotide variant.
Coding change: c.232G>A on transcript NM_024741.3 (MANE Select); coding-DNA position 232, G replaced by A.
Protein change: p.Val78Ile; replaces valine 78 with isoleucine.
Molecular consequence: missense variant.
Genome position (GRCh38, 1-based): chr11:46,701,578, G>A. VCF-style: chr11-46701578-G-A. GRCh37 (hg19) VCF-style: chr11-46723128-G-A.
Other names: c.208G>A, p.Val70Ile (NM_001184751.2); short protein forms V70I, V78I.
Identifiers: ClinVar variation 1714565 (VCV001714565.5), dbSNP rs2502784775, ClinGen allele CA380251786.
Genomic context (GRCh38, chr11:46,701,578, plus strand): 5'-CCCCGGGGCTTGGCCCTTGGCCCCTCACTCGCCAAGGAACAGCGCTTGGGGGTCTGGTGT[G>A]TCGGGGACCCCCTGCAGCCCGGCCTGCTGTGGGGGCCGCTGGAAGAGGAGTCTGCCTCCA-3'
Protein context (NP_079017.1, residues 68-88): AKEQRLGVWC[Val78Ile]GDPLQPGLLW